The following is an entry in ClinVar:

ClinVar aggregate classification (germline): Uncertain significance. Review status: criteria provided, multiple submitters, no conflicts (2 of 4 stars). 3 submissions from 3 submitters: Uncertain significance (3). Last evaluated 2024-02-12.

Conditions:
Short-rib thoracic dysplasia 14 with polydactyly (SRTD14). Identifiers: Orphanet 397715, MedGen C4225286, MONDO:0014688, OMIM 616546.
Joubert syndrome 23 (JBTS23). Identifiers: Orphanet 475, MedGen C4084822, MONDO:0014664, OMIM 616490.
Inborn genetic diseases. Identifiers: MedGen C0950123, MeSH D030342.

Allele frequency attached by ClinVar (database versions not stated): gnomAD exomes below 0.00001; gnomAD 0.00001; TOPMed 0.00004.
gnomAD v4.1: 5 of 1,432,184 alleles (0.00035%); highest among the groups gnomAD compares: East Asian, 0.013%; no homozygotes.

Submissions (3):

Ambry Genetics
Classification: Uncertain significance for Inborn genetic diseases. Last evaluated: 2024-02-12. Review status: criteria provided, single submitter. Criteria: Ambry Variant Classification Scheme 2023. Collection method: clinical testing. Allele origin: germline.

Labcorp Genetics (formerly Invitae), Labcorp
Classification: Uncertain significance for Joubert syndrome 23; Short-rib thoracic dysplasia 14 with polydactyly. Last evaluated: 2022-06-13. Review status: criteria provided, single submitter. Criteria: Invitae Variant Classification Sherloc (09022015). Collection method: clinical testing. Allele origin: germline.
Comment: This variant has not been reported in the literature in individuals affected with KIAA0586-related conditions. In summary, the available evidence is currently insufficient to determine the role of this variant in disease. Therefore, it has been classified as a Variant of Uncertain Significance. Algorithms developed to predict the effect of missense changes on protein structure and function are either unavailable or do not agree on the potential impact of this missense change (SIFT: "Deleterious"; PolyPhen-2: "Benign"; Align-GVGD: "Class C0"). This variant is not present in population databases (gnomAD no frequency). This sequence change replaces aspartic acid, which is acidic and polar, with valine, which is neutral and non-polar, at codon 1317 of the KIAA0586 protein (p.Asp1317Val).

Blueprint Genetics
Classification: Uncertain significance. Last evaluated: 2020-03-19. Review status: criteria provided, single submitter. Criteria: ACMG Guidelines, 2015. Collection method: clinical testing. Allele origin: germline.

NM_001329943.3(KIAA0586):c.3791A>T (p.Asp1264Val)

Gene: KIAA0586 (KIAA0586; plus strand). Cytogenetic location: 14q23.1.
Variant type: single nucleotide variant.
Coding change: c.3791A>T on transcript NM_001329943.3 (MANE Select); coding-DNA position 3791, A replaced by T.
Protein change: p.Asp1264Val; replaces aspartic acid 1264 with valine.
Molecular consequence: missense variant.
Genome position (GRCh38, 1-based): chr14:58,490,173, A>T. VCF-style: chr14-58490173-A-T. GRCh37 (hg19) VCF-style: chr14-58956891-A-T.
Other names: c.3950A>T, p.Asp1317Val (NM_001244189.2); c.3746A>T, p.Asp1249Val (NM_001244190.2); c.3536A>T, p.Asp1179Val (NM_001244191.2, NM_001329945.2, NM_001364700.1 and 1 more transcripts); c.3659A>T, p.Asp1220Val (NM_001244192.2); c.3371A>T, p.Asp1124Val (NM_001244193.2); c.3791A>T, p.Asp1264Val (NM_001329944.2, NM_001329946.2, NM_001329947.2); c.3563A>T, p.Asp1188Val (NM_014749.5); c.3563A>T (NM_014749.3); short protein forms D1249V, D1179V, D1188V, D1220V, D1317V, D1124V, D1264V.
Identifiers: ClinVar variation 1376311 (VCV001376311.6), dbSNP rs1223415414, ClinGen allele CA389883334.